The following is an entry in ClinVar:

NM_025099.6(CTC1):c.2191C>T (p.Arg731Trp)

Gene: CTC1 (CST telomere replication complex component 1; minus strand). Cytogenetic location: 17p13.1.
Variant type: single nucleotide variant.
Coding change: c.2191C>T on transcript NM_025099.6 (MANE Select); coding-DNA position 2191, C replaced by T.
Protein change: p.Arg731Trp; replaces arginine 731 with tryptophan.
Molecular consequence: missense variant. On other transcripts: non-coding transcript variant (1).
Genome position (GRCh38, 1-based): chr17:8,232,097, G>A on the plus strand (C>T on the coding strand, the complement: CTC1 is on the minus strand). VCF-style: chr17-8232097-G-A. GRCh37 (hg19) VCF-style: chr17-8135415-G-A.
Other names: short protein forms R731W.
Identifiers: ClinVar variation 642726 (VCV000642726.10), dbSNP rs781720954, ClinGen allele CA8372139.
Genomic context (GRCh38, chr17:8,232,097, plus strand): 5'-CTGGGGGGACACAAAAATTACGCTTCATGAGGGCCTCCTTGTGGCAGAGCAAGAAGAGCC[G>A]GCTCTGTCCTAGGTGGGGTCCCTCTGGGCCGGTGGGATCTGTCTGAGGTGTTGAGGGTGT-3'
Protein context (NP_079375.3, residues 721-741): GPEGPHLGQS[Arg731Trp]LFLLCHKEAL

ClinVar aggregate classification (germline): Uncertain significance. Review status: criteria provided, multiple submitters, no conflicts (2 of 4 stars). 2 submissions from 2 submitters: Uncertain significance (2). Last evaluated 2024-11-05.

Conditions:
Dyskeratosis congenita. Identifiers: Orphanet 1775, MedGen C0265965, MONDO:0015780.

Allele frequency attached by ClinVar (database versions not stated): TOPMed 0.00002; ExAC 0.00003; gnomAD 0.00003; gnomAD exomes 0.00003 and 0.00005.
gnomAD v4.1: 72 of 1,548,646 alleles (0.0046%); highest among the groups gnomAD compares: Non-Finnish European, 0.0059%; no homozygotes.

Submissions (2):

Labcorp Genetics (formerly Invitae), Labcorp
Classification: Uncertain significance for Dyskeratosis congenita. Last evaluated: 2024-11-05. Review status: criteria provided, single submitter. Criteria: Invitae Variant Classification Sherloc (09022015). Collection method: clinical testing. Allele origin: germline.
Comment: This sequence change replaces arginine, which is basic and polar, with tryptophan, which is neutral and slightly polar, at codon 731 of the CTC1 protein (p.Arg731Trp). This variant is present in population databases (rs781720954, gnomAD 0.006%). This variant has not been reported in the literature in individuals affected with CTC1-related conditions. ClinVar contains an entry for this variant (Variation ID: 642726). Invitae Evidence Modeling of protein sequence and biophysical properties (such as structural, functional, and spatial information, amino acid conservation, physicochemical variation, residue mobility, and thermodynamic stability) indicates that this missense variant is expected to disrupt CTC1 protein function with a positive predictive value of 80%. In summary, the available evidence is currently insufficient to determine the role of this variant in disease. Therefore, it has been classified as a Variant of Uncertain Significance.

Blueprint Genetics
Classification: Uncertain significance. Last evaluated: 2024-06-05. Review status: criteria provided, single submitter. Criteria: ACMG Guidelines, 2015. Collection method: clinical testing. Allele origin: germline.